The following is an entry in ClinVar:

NM_001134407.3(GRIN2A):c.*8362del

Gene: GRIN2A (glutamate ionotropic receptor NMDA type subunit 2A; minus strand). Cytogenetic location: 16p13.2.
Variant type: Deletion.
Coding change: c.*8362del on transcript NM_001134407.3 (MANE Select); 8362 bases downstream of the stop codon, one base deleted (T; older notation c.*8362delT).
Molecular consequence: 3 prime UTR variant.
Genome position (GRCh38, 1-based): chr16:9,754,787, A deleted on the plus strand (T on the coding strand, the reverse complement: GRIN2A is on the minus strand); the first of 9 consecutive A bases (chr16:9,754,787-9,754,795); deleting any one gives the same sequence. VCF-style (leftmost placement, unchanged base first): chr16-9754786-GA-G. GRCh37 (hg19) VCF-style: chr16-9848643-GA-G.
Other names: c.*8362del (NM_000833.5); c.*8568del (NM_001134408.2).
Identifiers: ClinVar variation 2570930 (VCV002570930.27), dbSNP rs544326150, ClinGen allele CA277527671.

ClinVar aggregate classification (germline): Likely benign (1 of 4 stars; one submission).

Submission:

CeGaT Center for Human Genetics Tuebingen
Classification: Likely benign. Last evaluated: 2023-06-01. Review status: criteria provided, single submitter. Criteria: CeGaT Center For Human Genetics Tuebingen Variant Classification Criteria Version 2. Collection method: clinical testing. Allele origin: germline. Affected: yes. Observed: 1 variant allele.
Comment: GRIN2A: BS1